The following is an entry in ClinVar:

NM_014927.5(CNKSR2):c.1831-3C>G

Gene: CNKSR2 (connector enhancer of kinase suppressor of Ras 2; plus strand). Cytogenetic location: Xp22.12.
Variant type: single nucleotide variant.
Coding change: c.1831-3C>G on transcript NM_014927.5 (MANE Select); 3 bases into the intron before coding-DNA position 1831, C replaced by G.
Molecular consequence: intron variant.
Genome position (GRCh38, 1-based): chrX:21,594,971, C>G. VCF-style: chrX-21594971-C-G. GRCh37 (hg19) VCF-style: chrX-21613089-C-G.
Other names: c.1741-3C>G (NM_001168647.3, NM_001330773.2); c.1684-3C>G (NM_001330770.2, NM_001168649.3); c.1594-3C>G (NM_001330772.2, NM_001330771.2); c.1831-3C>G (NM_001168648.3).
Identifiers: ClinVar variation 4857729 (VCV004857729.1).

ClinVar aggregate classification (germline): Pathogenic (1 of 4 stars; one submission).

Conditions:
Intellectual developmental disorder, X-linked, syndromic, Houge type. Also called: MENTAL RETARDATION, X-LINKED, SYNDROMIC, HOUGE TYPE; Intellectual disability, X-linked, syndromic, Houge type. Identifiers: MedGen C4538788, MONDO:0030909, OMIM 301008.

Submission:

Center for Molecular Medicine, Guangzhou Women and Children's Medical Center, Guangzhou Medical University
Classification: Pathogenic for Intellectual developmental disorder, X-linked, syndromic, Houge type. Last evaluated: 2026-07-09. Review status: criteria provided, single submitter. Criteria: ACMG Guidelines, 2015. Collection method: clinical testing. Allele origin: de novo. Inheritance: X-linked inheritance. Affected: yes. Observed: 1 variant allele, 1 hemizygote.
Comment: It was confirmed that the variant had arisen de novo. This variant has not previously been reported in the literature, and it is absent from population databases, including gnomAD. Bioinformatic analyses predicted disruption of the splice acceptor site upstream of exon 16. Minigene assay demonstrated complete skipping of exon 16 in the mutant construct, whereas the wild-type construct predominantly produced the correctly spliced transcript. Exon 16 skipping resulted in a frameshift and premature termination codon (p.Asp611CysfsTer8). Collectively, the variant was classified as pathogenic.